The following is an entry in ClinVar:

NM_001379200.1(TBX1):c.1071C>A (p.Asp357Glu)

Gene: TBX1 (T-box transcription factor 1; plus strand). Cytogenetic location: 22q11.21.
Variant type: single nucleotide variant.
Coding change: c.1071C>A on transcript NM_001379200.1 (MANE Select); coding-DNA position 1071, C replaced by A.
Protein change: p.Asp357Glu; replaces aspartic acid 357 with glutamic acid.
Molecular consequence: missense variant. On other transcripts: intron variant (2).
Genome position (GRCh38, 1-based): chr22:19,766,423, C>A. VCF-style: chr22-19766423-C-A. GRCh37 (hg19) VCF-style: chr22-19753946-C-A.
Other names: c.1044C>A, p.Asp348Glu (NM_080647.1); c.1009+421C>A (NM_005992.1, NM_080646.2); short protein forms D348E, D357E.
Identifiers: ClinVar variation 2914057 (VCV002914057.3), dbSNP rs2517857410, ClinGen allele CA410684032.

ClinVar aggregate classification (germline): Uncertain significance (1 of 4 stars; one submission).

Conditions:
DiGeorge syndrome. Also called: Catch22; THIRD AND FOURTH PHARYNGEAL POUCH SYNDROME. Identifiers: Orphanet 567, MedGen C0012236, MONDO:0008564, OMIM 188400.

Submission:

Labcorp Genetics (formerly Invitae), Labcorp
Classification: Uncertain significance for DiGeorge syndrome. Last evaluated: 2022-12-04. Review status: criteria provided, single submitter. Criteria: Invitae Variant Classification Sherloc (09022015). Collection method: clinical testing. Allele origin: germline.
Comment: This variant is not present in population databases (gnomAD no frequency). This sequence change replaces aspartic acid, which is acidic and polar, with glutamic acid, which is acidic and polar, at codon 348 of the TBX1 protein (p.Asp348Glu). In summary, the available evidence is currently insufficient to determine the role of this variant in disease. Therefore, it has been classified as a Variant of Uncertain Significance. Algorithms developed to predict the effect of missense changes on protein structure and function output the following: SIFT: "Tolerated"; PolyPhen-2: "Benign"; Align-GVGD: "Class C0". The glutamic acid amino acid residue is found in multiple mammalian species, which suggests that this missense change does not adversely affect protein function. This variant has not been reported in the literature in individuals affected with TBX1-related conditions.